The following is an entry in ClinVar:

ClinVar aggregate classification (germline): Uncertain significance (1 of 4 stars; one submission).

Conditions:
Inborn genetic diseases. Identifiers: MedGen C0950123, MeSH D030342.

gnomAD v4.1: 3 of 1,614,004 alleles (0.00019%); highest among the groups gnomAD compares: Non-Finnish European, 0.00025%; no homozygotes.

Submission:

Ambry Genetics
Classification: Uncertain significance for Inborn genetic diseases. Last evaluated: 2025-03-29. Review status: criteria provided, single submitter. Criteria: Ambry Variant Classification Scheme 2023. Collection method: clinical testing. Allele origin: germline.
Comment: The p.G496V variant (also known as c.1487G>T), located in coding exon 1 of the SAMD9 gene, results from a G to T substitution at nucleotide position 1487. The glycine at codon 496 is replaced by valine, an amino acid with dissimilar properties. This amino acid position is conserved. In addition, the in silico prediction for this alteration is inconclusive. Based on the available evidence, the clinical significance of this variant remains unclear.

NM_017654.4(SAMD9):c.1487G>T (p.Gly496Val)

Gene: SAMD9 (sterile alpha motif domain containing 9; minus strand). Cytogenetic location: 7q21.2.
Variant type: single nucleotide variant.
Coding change: c.1487G>T on transcript NM_017654.4 (MANE Select); coding-DNA position 1487, G replaced by T.
Protein change: p.Gly496Val; replaces glycine 496 with valine.
Molecular consequence: missense variant.
Genome position (GRCh38, 1-based): chr7:93,104,611, C>A on the plus strand (G>T on the coding strand, the complement: SAMD9 is on the minus strand). VCF-style: chr7-93104611-C-A. GRCh37 (hg19) VCF-style: chr7-92733924-C-A.
Other names: c.1487G>T, p.Gly496Val (NM_001193307.2); short protein forms G496V.
Identifiers: ClinVar variation 3949491 (VCV003949491.1).